The following is an entry in ClinVar:

NM_012281.3(KCND2):c.776G>A (p.Arg259His)

Gene: KCND2 (potassium voltage-gated channel subfamily D member 2; plus strand). Cytogenetic location: 7q31.31.
Variant type: single nucleotide variant.
Coding change: c.776G>A on transcript NM_012281.3 (MANE Select); coding-DNA position 776, G replaced by A.
Protein change: p.Arg259His; replaces arginine 259 with histidine.
Molecular consequence: missense variant.
Genome position (GRCh38, 1-based): chr7:120,275,408, G>A. VCF-style: chr7-120275408-G-A. GRCh37 (hg19) VCF-style: chr7-119915462-G-A.
Other names: short protein forms R259H.
Identifiers: ClinVar variation 2964169 (VCV002964169.3), dbSNP rs1799159244, ClinGen allele CA369132357.

ClinVar aggregate classification (germline): Uncertain significance (1 of 4 stars; one submission).

Conditions:
Early Myoclonic Encephalopathy. Identifiers: MedGen C0270855.

Allele frequency attached by ClinVar (database versions not stated): gnomAD exomes below 0.00001.
gnomAD v4.1: 1 of 1,613,738 alleles (0.000062%); highest among the groups gnomAD compares: Non-Finnish European, 0.000085%; no homozygotes.

Submission:

Labcorp Genetics (formerly Invitae), Labcorp
Classification: Uncertain significance for Early Myoclonic Encephalopathy. Last evaluated: 2023-12-19. Review status: criteria provided, single submitter. Criteria: Invitae Variant Classification Sherloc (09022015). Collection method: clinical testing. Allele origin: germline.
Comment: This sequence change replaces arginine, which is basic and polar, with histidine, which is basic and polar, at codon 259 of the KCND2 protein (p.Arg259His). This variant is not present in population databases (gnomAD no frequency). This variant has not been reported in the literature in individuals affected with KCND2-related conditions. Advanced modeling of protein sequence and biophysical properties (such as structural, functional, and spatial information, amino acid conservation, physicochemical variation, residue mobility, and thermodynamic stability) performed at Invitae indicates that this missense variant is not expected to disrupt KCND2 protein function with a negative predictive value of 80%. In summary, the available evidence is currently insufficient to determine the role of this variant in disease. Therefore, it has been classified as a Variant of Uncertain Significance.